The following is an entry in ClinVar:

NM_024529.5(CDC73):c.808G>A (p.Ala270Thr)

Gene: CDC73 (cell division cycle 73; plus strand). Cytogenetic location: 1q31.2.
Variant type: single nucleotide variant.
Coding change: c.808G>A on transcript NM_024529.5 (MANE Select); coding-DNA position 808, G replaced by A.
Protein change: p.Ala270Thr; replaces alanine 270 with threonine.
Molecular consequence: missense variant.
Genome position (GRCh38, 1-based): chr1:193,147,945, G>A. VCF-style: chr1-193147945-G-A. GRCh37 (hg19) VCF-style: chr1-193117075-G-A.
Other names: short protein forms A270T.
Identifiers: ClinVar variation 1761942 (VCV001761942.2), dbSNP rs2527336975, ClinGen allele CA343964171.
Genomic context (GRCh38, chr1:193,147,945, plus strand): 5'-TTTGCAATTCTTCAATCTGTAAAAGCCAGAGAAGAAGGGCGTGCACCTGAACAGCGACCT[G>A]CCCCAAATGCAGCACCTGTGGTAAGAATGCTTTACTGCTTTACAGTAGATTTAATGAAGT-3'
Protein context (NP_078805.3, residues 260-280): EEGRAPEQRP[Ala270Thr]PNAAPVDPTL

ClinVar aggregate classification (germline): Uncertain significance (1 of 4 stars; one submission).

Conditions:
Hereditary cancer-predisposing syndrome. Also called: Neoplastic Syndromes, Hereditary; Tumor predisposition; Hereditary Cancer Syndrome; Hereditary neoplastic syndrome. Identifiers: Orphanet 140162, MedGen C0027672, MeSH D009386, MONDO:0015356.

Submission:

Ambry Genetics
Classification: Uncertain significance for Hereditary cancer-predisposing syndrome. Last evaluated: 2020-11-12. Review status: criteria provided, single submitter. Criteria: Ambry Variant Classification Scheme 2023. Collection method: clinical testing. Allele origin: germline.
Comment: The p.A270T variant (also known as c.808G>A), located in coding exon 8 of the CDC73 gene, results from a G to A substitution at nucleotide position 808. The alanine at codon 270 is replaced by threonine, an amino acid with similar properties. This amino acid position is well conserved in available vertebrate species. In addition, this alteration is predicted to be tolerated by in silico analysis. Since supporting evidence is limited at this time, the clinical significance of this alteration remains unclear.